The following is an entry in ClinVar:

ClinVar aggregate classification (germline): Likely benign. Review status: criteria provided, multiple submitters, no conflicts (2 of 4 stars). 4 submissions from 4 submitters: Likely benign (3). 1 of the submissions does not count toward it. Last evaluated 2025-10-17.

Conditions:
Classic homocystinuria. Also called: Homocystinuria due to CBS deficiency; Cystathionine beta-synthase deficiency; CBS deficiency; HOMOCYSTINURIA WITH OR WITHOUT RESPONSE TO PYRIDOXINE; Homocystinuria due to Cystathionine Beta-Synthase Deficiency. Identifiers: Orphanet 394, MedGen C0751202, MONDO:0009352, OMIM 236200.
Familial thoracic aortic aneurysm and aortic dissection (TAAD). Also called: Thoracic aortic aneurysms and dissections. Identifiers: Orphanet 91387, MedGen C4707243, MONDO:0019625.
HYPERHOMOCYSTEINEMIA, THROMBOTIC, CBS-RELATED. Identifiers: MedGen C3150344, OMIM 236200.

Allele frequency attached by ClinVar (database versions not stated): gnomAD exomes 0.00001 and 0.00004; ExAC 0.00014; ESP Exome Variant Server 0.00024; 1000 Genomes Project 0.00060.

Submissions (4):

Mayo Clinic Laboratories, Mayo Clinic
Classification: Likely benign. Last evaluated: 2025-10-17. Review status: criteria provided, single submitter. Criteria: ACMG Guidelines, 2015. Collection method: clinical testing. Allele origin: germline. Observed: 1 variant allele.
Comment: BP4, BP7

Labcorp Genetics (formerly Invitae), Labcorp
Classification: Likely benign for HYPERHOMOCYSTEINEMIA, THROMBOTIC, CBS-RELATED. Last evaluated: 2025-08-20. Review status: criteria provided, single submitter. Criteria: Invitae Variant Classification Sherloc (09022015). Collection method: clinical testing. Allele origin: germline.

Ambry Genetics
Classification: Likely benign for Familial thoracic aortic aneurysm and aortic dissection. Last evaluated: 2022-02-21. Review status: criteria provided, single submitter. Criteria: Ambry Variant Classification Scheme 2023. Collection method: clinical testing. Allele origin: germline.

Natera, Inc.
Classification: Uncertain significance for Homocystinuria due to cystathionine beta-synthase deficiency. Last evaluated: 2020-08-13. Review status: no assertion criteria provided. Collection method: clinical testing. Allele origin: germline. Not counted in ClinVar's aggregate classification.

NM_000071.3(CBS):c.1512G>A (p.Glu504=)

Gene: CBS (cystathionine beta-synthase; minus strand). Cytogenetic location: 21q22.3.
Variant type: single nucleotide variant.
Coding change: c.1512G>A on transcript NM_000071.3 (MANE Select); coding-DNA position 1512, G replaced by A.
Protein change: p.Glu504=; no amino-acid change (glutamic acid 504 retained).
Molecular consequence: synonymous variant.
Genome position (GRCh38, 1-based): chr21:43,056,843, C>T on the plus strand (G>A on the coding strand, the complement: CBS is on the minus strand). VCF-style: chr21-43056843-C-T. GRCh37 (hg19) VCF-style: chr21-44476953-C-T.
Other names: p.Glu504=; c.1512G>A, p.Glu504= (NM_001178008.3, NM_001178009.3, NM_001320298.2); c.1197G>A, p.Glu399= (NM_001321072.1).
Identifiers: ClinVar variation 724939 (VCV000724939.14), dbSNP rs149170219, ClinGen allele CA321686662.